The following is an entry in ClinVar:

NM_033427.3(CTTNBP2):c.1894G>C (p.Ala632Pro)

Gene: CTTNBP2 (cortactin binding protein 2; minus strand). Cytogenetic location: 7q31.31.
Variant type: single nucleotide variant.
Coding change: c.1894G>C on transcript NM_033427.3 (MANE Select); coding-DNA position 1894, G replaced by C.
Protein change: p.Ala632Pro; replaces alanine 632 with proline.
Molecular consequence: missense variant. On other transcripts: 5 prime UTR variant (2).
Genome position (GRCh38, 1-based): chr7:117,791,302, C>G on the plus strand (G>C on the coding strand, the complement: CTTNBP2 is on the minus strand). VCF-style: chr7-117791302-C-G. GRCh37 (hg19) VCF-style: chr7-117431356-C-G.
Other names: c.1840G>C, p.Ala614Pro (NM_001363349.1); c.-41G>C (NM_001363350.1, NM_001363351.1); short protein forms A614P, A632P.
Identifiers: ClinVar variation 2636968 (VCV002636968.1), dbSNP rs2485841772, ClinGen allele CA368993356.

ClinVar aggregate classification (germline): Uncertain significance (1 of 4 stars; one submission).

Conditions:
CTTNBP2-related disorder. Also called: CTTNBP2-related condition.

gnomAD v4.1: 7 of 1,614,098 alleles (0.00043%); highest among the groups gnomAD compares: Non-Finnish European, 0.00059%; no homozygotes.

Submission:

PreventionGenetics, part of Exact Sciences
Classification: Uncertain significance for CTTNBP2-related condition. Last evaluated: 2023-05-15. Review status: criteria provided, single submitter. Criteria: ACMG Guidelines, 2015. Collection method: clinical testing. Allele origin: germline.
Comment: The CTTNBP2 c.1894G>C variant is predicted to result in the amino acid substitution p.Ala632Pro. To our knowledge, this variant has not been reported in the literature or in a large population database, indicating this variant is rare. At this time, the clinical significance of this variant is uncertain due to the absence of conclusive functional and genetic evidence.